The following is an entry in ClinVar:

NM_024120.5(NDUFAF5):c.223-20C>A

Gene: NDUFAF5 (NADH:ubiquinone oxidoreductase complex assembly factor 5; plus strand). Cytogenetic location: 20p12.1.
Variant type: single nucleotide variant.
Coding change: c.223-20C>A on transcript NM_024120.5 (MANE Select); 20 bases into the intron before coding-DNA position 223, C replaced by A.
Molecular consequence: intron variant. On other transcripts: 5 prime UTR variant (1), non-coding transcript variant (3).
Genome position (GRCh38, 1-based): chr20:13,787,292, C>A. VCF-style: chr20-13787292-C-A. GRCh37 (hg19) VCF-style: chr20-13767938-C-A.
Other names: c.-359C>A (NM_001352407.2); c.-359-20C>A (NM_001352406.2); c.223-20C>A (NM_001039375.3, NM_001352408.2); c.-145-20C>A (NM_001352403.2).
Identifiers: ClinVar variation 514437 (VCV000514437.4), dbSNP rs538620293, ClinGen allele CA9767651.

ClinVar aggregate classification (germline): Likely benign. Review status: criteria provided, multiple submitters, no conflicts (2 of 4 stars). 2 submissions from 2 submitters: Likely benign (2). Last evaluated 2025-12-21.

Allele frequency attached by ClinVar (database versions not stated): TOPMed 0.00003; gnomAD 0.00019; 1000 Genomes Project 0.00040; 1000 Genomes Project 30x 0.00047.
gnomAD v4.1: 30 of 1,613,628 alleles (0.0019%); highest among the groups gnomAD compares: African/African-American, 0.028%; no homozygotes.

Submissions (2):

Labcorp Genetics (formerly Invitae), Labcorp
Classification: Likely benign. Last evaluated: 2025-12-21. Review status: criteria provided, single submitter. Criteria: Invitae Variant Classification Sherloc (09022015). Collection method: clinical testing. Allele origin: germline.

GeneDx
Classification: Likely benign. Last evaluated: 2018-01-04. Review status: criteria provided, single submitter. Criteria: GeneDx Variant Classification (06012015). Collection method: clinical testing. Allele origin: germline. Affected: yes.
Comment: This variant is considered likely benign or benign based on one or more of the following criteria: it is a conservative change, it occurs at a poorly conserved position in the protein, it is predicted to be benign by multiple in silico algorithms, and/or has population frequency not consistent with disease.